The following is an entry in ClinVar:

ClinVar aggregate classification (germline): Likely pathogenic (1 of 4 stars; one submission).

Allele frequency attached by ClinVar (database versions not stated): gnomAD exomes below 0.00001; ExAC 0.00001.

Submission:

GeneDx
Classification: Likely pathogenic. Last evaluated: 2016-06-13. Review status: criteria provided, single submitter. Criteria: GeneDx Variant Classification (06012015). Collection method: clinical testing. Allele origin: germline. Affected: yes.
Comment: The P102S variant in the SPATA5 gene has not been reported previously as a pathogenic variant, nor as a benign variant, to our knowledge. The P102S variant was not observed in approximately 6500 individuals of European and African American ancestry in the NHLBI Exome Sequencing Project, indicating it is not a common benign variant in these populations. The P102S variant is a non-conservative amino acid substitution, which is likely to impact secondary protein structure as these residues differ in polarity, charge, size and/or other properties. This substitution occurs at a position that is conserved across species, and in silico analysis predicts this variant is probably damaging to the protein structure/function. The P102S variant is a strong candidate for a pathogenic variant, however the possibility it may be a rare benign variant cannot be excluded.

NM_145207.3(AFG2A):c.304C>T (p.Pro102Ser)

Gene: AFG2A (AFG2 AAA ATPase homolog A; plus strand). Cytogenetic location: 4q28.1.
Variant type: single nucleotide variant.
Coding change: c.304C>T on transcript NM_145207.3 (MANE Select); coding-DNA position 304, C replaced by T.
Protein change: p.Pro102Ser; replaces proline 102 with serine.
Molecular consequence: missense variant.
Genome position (GRCh38, 1-based): chr4:122,929,055, C>T. VCF-style: chr4-122929055-C-T. GRCh37 (hg19) VCF-style: chr4-123850210-C-T.
Other names: c.301C>T, p.Pro101Ser (NM_001317799.2, NM_001345856.2); short protein forms P102S, P101S.
Identifiers: ClinVar variation 372957 (VCV000372957.2), dbSNP rs772049150, ClinGen allele CA3070185.